The following is an entry in ClinVar:

ClinVar aggregate classification (germline): Pathogenic. Review status: criteria provided, multiple submitters, no conflicts (2 of 4 stars). 3 submissions from 3 submitters: Pathogenic (2). 1 of the submissions does not count toward it. Last evaluated 2026-04-01.

Conditions:
Alzheimer disease 3 (AD3). Also called: ALZHEIMER DISEASE, FAMILIAL, 3. Identifiers: Orphanet 1020, MedGen C1843013, MONDO:0011913, OMIM 607822.

Submissions (3):

CeGaT Center for Human Genetics Tuebingen
Classification: Pathogenic. Last evaluated: 2026-04-01. Review status: criteria provided, single submitter. Criteria: CeGaT Center For Human Genetics Tuebingen Variant Classification Criteria Version 2. Collection method: clinical testing. Allele origin: germline. Affected: yes. Observed: 1 variant allele.
Comment: PSEN1: PM1, PM2, PM5, PS4:Moderate, PP2, PP3

Laboratory for Molecular Genetic Diagnostic of Neurological Diseases, University of Belgrade, School of Medicine
Classification: Pathogenic for Alzheimer disease 3. Last evaluated: 2020-07-01. Review status: criteria provided, single submitter. Criteria: ACMG Guidelines, 2015. Collection method: clinical testing. Allele origin: germline. Inheritance: Autosomal dominant inheritance. Affected: yes. Observed: 1 variant allele, 1 heterozygote.

VIB  Department of Molecular Genetics, University of Antwerp
No classification provided. Review status: no classification provided. Collection method: not provided. Allele origin: not provided. Not counted in ClinVar's aggregate classification.

Literature cited by the submitters: PubMed 8634712 (cited by Laboratory for Molecular Genetic Diagnostic of Neurological Diseases, University of Belgrade, School of Medicine).

NM_000021.4(PSEN1):c.416T>C (p.Met139Thr)

Gene: PSEN1 (presenilin 1; plus strand). Cytogenetic location: 14q24.2.
Variant type: single nucleotide variant.
Coding change: c.416T>C on transcript NM_000021.4 (MANE Select); coding-DNA position 416, T replaced by C.
Protein change: p.Met139Thr; replaces methionine 139 with threonine.
Molecular consequence: missense variant.
Genome position (GRCh38, 1-based): chr14:73,173,643, T>C. VCF-style: chr14-73173643-T-C. GRCh37 (hg19) VCF-style: chr14-73640351-T-C.
Other names: c.404T>C, p.Met135Thr (NM_007318.3); short protein forms M139T, M135T.
Identifiers: ClinVar variation 98023 (VCV000098023.5), dbSNP rs63751106, ClinGen allele CA225016.